The following is an entry in ClinVar:

NM_138694.4(PKHD1):c.10522G>A (p.Val3508Ile)

Gene: PKHD1 (PKHD1 ciliary IPT domain containing fibrocystin/polyductin; minus strand). Cytogenetic location: 6p12.3.
Variant type: single nucleotide variant.
Coding change: c.10522G>A on transcript NM_138694.4 (MANE Select); coding-DNA position 10522, G replaced by A.
Protein change: p.Val3508Ile; replaces valine 3508 with isoleucine.
Molecular consequence: missense variant.
Genome position (GRCh38, 1-based): chr6:51,659,604, C>T on the plus strand (G>A on the coding strand, the complement: PKHD1 is on the minus strand). VCF-style: chr6-51659604-C-T. GRCh37 (hg19) VCF-style: chr6-51524402-C-T.
Other names: short protein forms V3508I.
Identifiers: ClinVar variation 1903729 (VCV001903729.3), dbSNP rs752984925, ClinGen allele CA3851060.
Genomic context (GRCh38, chr6:51,659,604, plus strand): 5'-TCAGCAATAAGGAAGCTGACTGAACCAGAGTGGGTGGAATAAAACTTTCCCCTAAGAAGA[C>T]GTGGGGGCTCTGGAGCTCATGGTAGAATACAGCCAAGAGAAGCTTGGAGGTACTTTTGTT-3'
Protein context (NP_619639.3, residues 3498-3518): VFYHELQSPH[Val3508Ile]FLGESFIPPT

ClinVar aggregate classification (germline): Uncertain significance. Review status: criteria provided, multiple submitters, no conflicts (2 of 4 stars). 2 submissions from 2 submitters: Uncertain significance (2). Last evaluated 2022-04-18.

Conditions:
Autosomal recessive polycystic kidney disease (ARPKD). Also called: AR polycystic kidney disease. Identifiers: Orphanet 731, Orphanet 8378, MedGen C0085548, MeSH D017044, MONDO:0009889.

Allele frequency attached by ClinVar (database versions not stated): gnomAD 0.00001; ExAC 0.00002; gnomAD exomes 0.00002.
gnomAD v4.1: 33 of 1,613,558 alleles (0.002%); highest among the groups gnomAD compares: African/African-American, 0.0053%; no homozygotes.

Submissions (2):

Labcorp Genetics (formerly Invitae), Labcorp
Classification: Uncertain significance for Autosomal recessive polycystic kidney disease. Last evaluated: 2022-04-18. Review status: criteria provided, single submitter. Criteria: Invitae Variant Classification Sherloc (09022015). Collection method: clinical testing. Allele origin: germline.
Comment: This sequence change replaces valine, which is neutral and non-polar, with isoleucine, which is neutral and non-polar, at codon 3508 of the PKHD1 protein (p.Val3508Ile). This variant is present in population databases (rs752984925, gnomAD 0.006%). This variant has not been reported in the literature in individuals affected with PKHD1-related conditions. Advanced modeling of protein sequence and biophysical properties (such as structural, functional, and spatial information, amino acid conservation, physicochemical variation, residue mobility, and thermodynamic stability) performed at Invitae indicates that this missense variant is not expected to disrupt PKHD1 protein function. In summary, the available evidence is currently insufficient to determine the role of this variant in disease. Therefore, it has been classified as a Variant of Uncertain Significance.

Blueprint Genetics
Classification: Uncertain significance. Last evaluated: 2021-12-23. Review status: criteria provided, single submitter. Criteria: ACMG Guidelines, 2015. Collection method: clinical testing. Allele origin: germline.